The following is an entry in ClinVar:

NM_016151.4(TAOK2):c.1942C>T (p.Arg648Cys)

Gene: TAOK2 (TAO kinase 2; plus strand). Cytogenetic location: 16p11.2.
Variant type: single nucleotide variant.
Coding change: c.1942C>T on transcript NM_016151.4 (MANE Select); coding-DNA position 1942, C replaced by T.
Protein change: p.Arg648Cys; replaces arginine 648 with cysteine.
Molecular consequence: missense variant.
Genome position (GRCh38, 1-based): chr16:29,985,811, C>T. VCF-style: chr16-29985811-C-T. GRCh37 (hg19) VCF-style: chr16-29997132-C-T.
Other names: c.1942C>T, p.Arg648Cys (NM_001252043.2, NM_004783.4); c.1942C>T (NM_016151.2); short protein forms R648C.
Identifiers: ClinVar variation 1431463 (VCV001431463.8), dbSNP rs758342146, ClinGen allele CA7998259.

ClinVar aggregate classification (germline): Uncertain significance. Review status: criteria provided, multiple submitters, no conflicts (2 of 4 stars). 2 submissions from 2 submitters: Uncertain significance (2). Last evaluated 2025-11-26.

Allele frequency attached by ClinVar (database versions not stated): gnomAD 0.00001; TOPMed 0.00001; ExAC 0.00003.
gnomAD v4.1: 16 of 1,611,852 alleles (0.00099%); highest among the groups gnomAD compares: South Asian, 0.0022%; no homozygotes.

Submissions (2):

Ambry Genetics
Classification: Uncertain significance. Last evaluated: 2025-11-26. Review status: criteria provided, single submitter. Criteria: Ambry Variant Classification Scheme 2023. Collection method: clinical testing. Allele origin: germline.

Labcorp Genetics (formerly Invitae), Labcorp
Classification: Uncertain significance. Last evaluated: 2025-09-09. Review status: criteria provided, single submitter. Criteria: Invitae Variant Classification Sherloc (09022015). Collection method: clinical testing. Allele origin: germline.
Comment: This sequence change replaces arginine, which is basic and polar, with cysteine, which is neutral and slightly polar, at codon 648 of the TAOK2 protein (p.Arg648Cys). This variant is present in population databases (rs758342146, gnomAD 0.002%). This variant has not been reported in the literature in individuals affected with TAOK2-related conditions. ClinVar contains an entry for this variant (Variation ID: 1431463). An algorithm developed to predict the effect of missense changes on protein structure and function (PolyPhen-2) suggests that this variant is likely to be disruptive. In summary, the available evidence is currently insufficient to determine the role of this variant in disease. Therefore, it has been classified as a Variant of Uncertain Significance.